The following is an entry in ClinVar:

ClinVar aggregate classification (germline): Uncertain significance (1 of 4 stars; one submission).

Conditions:
Inborn genetic diseases. Identifiers: MedGen C0950123, MeSH D030342.

Submission:

Ambry Genetics
Classification: Uncertain significance for Inborn genetic diseases. Last evaluated: 2025-08-01. Review status: criteria provided, single submitter. Criteria: Ambry Variant Classification Scheme 2023. Collection method: clinical testing. Allele origin: germline.
Comment: The p.P1179L variant (also known as c.3536C>T), located in coding exon 13 of the ASXL1 gene, results from a C to T substitution at nucleotide position 3536. The proline at codon 1179 is replaced by leucine, an amino acid with similar properties. This amino acid position is conserved. In addition, this alteration is predicted to be tolerated by in silico analysis. Based on the available evidence, the clinical significance of this variant remains unclear.

NM_015338.6(ASXL1):c.3536C>T (p.Pro1179Leu)

Gene: ASXL1 (ASXL transcriptional regulator 1; plus strand). Cytogenetic location: 20q11.21.
Variant type: single nucleotide variant.
Coding change: c.3536C>T on transcript NM_015338.6 (MANE Select); coding-DNA position 3536, C replaced by T.
Protein change: p.Pro1179Leu; replaces proline 1179 with leucine.
Molecular consequence: missense variant.
Genome position (GRCh38, 1-based): chr20:32,436,248, C>T. VCF-style: chr20-32436248-C-T. GRCh37 (hg19) VCF-style: chr20-31024051-C-T.
Other names: c.3353C>T, p.Pro1118Leu (NM_001363734.1); short protein forms P1118L, P1179L.
Identifiers: ClinVar variation 4158508 (VCV004158508.1).